The following is an entry in ClinVar:

ClinVar aggregate classification (germline): Uncertain significance. Review status: criteria provided, multiple submitters, no conflicts (2 of 4 stars). 7 submissions from 7 submitters: Uncertain significance (7). Last evaluated 2026-02-19.

Conditions:
Hereditary cancer-predisposing syndrome. Also called: Neoplastic Syndromes, Hereditary; Tumor predisposition; Hereditary neoplastic syndrome; Hereditary Cancer Syndrome. Identifiers: Orphanet 140162, MedGen C0027672, MeSH D009386, MONDO:0015356.
BRIP1-related disorder. Also called: BRIP1-related condition; BRIP1-related disorders. Identifiers: MedGen CN239206.
Familial cancer of breast. Also called: Hereditary breast cancer; BREAST CANCER, FAMILIAL; hereditary breast carcinoma. Identifiers: Orphanet 227535, MedGen C0346153, MONDO:0016419, OMIM 114480. Disease mechanism: loss of function.
Fanconi anemia complementation group J. Also called: BRIP1-Related Fanconi Anemia. Identifiers: Orphanet 84, MedGen C1836860, MONDO:0012187, OMIM 609054.

gnomAD v4.1: 3 of 1,613,458 alleles (0.00019%); no homozygotes.

Submissions (7):

PreventionGenetics, part of Exact Sciences
Classification: Uncertain significance for BRIP1-related condition. Last evaluated: 2026-02-19. Review status: criteria provided, single submitter. Criteria: ACMG Guidelines, 2015. Collection method: clinical testing. Allele origin: germline.
Comment: The BRIP1 c.2524C>T variant is predicted to result in the amino acid substitution p.Leu842Phe. To our knowledge, this variant has not been reported in the literature or in a large population database, indicating this variant is rare. This variant is interpreted as uncertain in ClinVar (Variation ID: 184936). At this time, the clinical significance of this variant is uncertain due to the absence of conclusive functional and genetic evidence.

Labcorp Genetics (formerly Invitae), Labcorp
Classification: Uncertain significance for Familial cancer of breast; Fanconi anemia complementation group J. Last evaluated: 2025-12-30. Review status: criteria provided, single submitter. Criteria: Invitae Variant Classification Sherloc (09022015). Collection method: clinical testing. Allele origin: germline.
Comment: This sequence change replaces leucine, which is neutral and non-polar, with phenylalanine, which is neutral and non-polar, at codon 842 of the BRIP1 protein (p.Leu842Phe). This variant is not present in population databases (gnomAD no frequency). This variant has not been reported in the literature in individuals affected with BRIP1-related conditions. ClinVar contains an entry for this variant (Variation ID: 184936). Invitae Evidence Modeling of protein sequence and biophysical properties (such as structural, functional, and spatial information, amino acid conservation, physicochemical variation, residue mobility, and thermodynamic stability) has been performed for this missense variant. However, the output from this modeling did not meet the statistical confidence thresholds required to predict the impact of this variant on BRIP1 protein function. In summary, the available evidence is currently insufficient to determine the role of this variant in disease. Therefore, it has been classified as a Variant of Uncertain Significance.

Ambry Genetics
Classification: Uncertain significance for Hereditary cancer-predisposing syndrome. Last evaluated: 2025-04-11. Review status: criteria provided, single submitter. Criteria: Ambry Variant Classification Scheme 2023. Collection method: clinical testing. Allele origin: germline.
Comment: The p.L842F variant (also known as c.2524C>T), located in coding exon 17 of the BRIP1 gene, results from a C to T substitution at nucleotide position 2524. The leucine at codon 842 is replaced by phenylalanine, an amino acid with highly similar properties. This amino acid position is highly conserved in available vertebrate species. In addition, the in silico prediction for this alteration is inconclusive. Since supporting evidence is limited at this time, the clinical significance of this alteration remains unclear.

Color Diagnostics, LLC DBA Color Health
Classification: Uncertain significance for Hereditary cancer-predisposing syndrome. Last evaluated: 2024-03-06. Review status: criteria provided, single submitter. Criteria: ACMG Guidelines, 2015. Collection method: clinical testing. Allele origin: germline.
Comment: This missense variant replaces leucine with phenylalanine at codon 842 of the BRIP1 protein. Computational prediction is inconclusive regarding the impact of this variant on protein structure and function (internally defined REVEL score threshold 0.5 < inconclusive < 0.7, PMID: 27666373). To our knowledge, functional studies have not been reported for this variant. This variant has not been reported in individuals affected with hereditary cancer in the literature. This variant has not been identified in the general population by the Genome Aggregation Database (gnomAD). The available evidence is insufficient to determine the role of this variant in disease conclusively. Therefore, this variant is classified as a Variant of Uncertain Significance.

Baylor Genetics
Classification: Uncertain significance for Familial cancer of breast. Last evaluated: 2023-11-26. Review status: criteria provided, single submitter. Criteria: ACMG Guidelines, 2015. Collection method: clinical testing. Allele origin: unknown.

Department of Pathology and Laboratory Medicine, Sinai Health System
Classification: Uncertain significance for Familial cancer of breast. Last evaluated: 2021-08-11. Review status: criteria provided, single submitter. Criteria: ACMG Guidelines, 2015. Collection method: clinical testing. Allele origin: germline. Affected: yes.

GeneID Lab - Advanced Molecular Diagnostics
Classification: Uncertain significance for Hereditary cancer-predisposing syndrome. Last evaluated: 2017-09-07. Review status: criteria provided, single submitter. Criteria: ACMG Guidelines, 2015. Collection method: clinical testing. Allele origin: germline. Affected: yes. Observed: 1 variant allele.

NM_032043.3(BRIP1):c.2524C>T (p.Leu842Phe)

Gene: BRIP1 (BRCA1 interacting DNA helicase 1; minus strand). Cytogenetic location: 17q23.2.
Variant type: single nucleotide variant.
Coding change: c.2524C>T on transcript NM_032043.3 (MANE Select); coding-DNA position 2524, C replaced by T.
Protein change: p.Leu842Phe; replaces leucine 842 with phenylalanine.
Molecular consequence: missense variant.
Genome position (GRCh38, 1-based): chr17:61,693,481, G>A on the plus strand (C>T on the coding strand, the complement: BRIP1 is on the minus strand). VCF-style: chr17-61693481-G-A. GRCh37 (hg19) VCF-style: chr17-59770842-G-A.
Other names: short protein forms L842F.
Identifiers: ClinVar variation 184936 (VCV000184936.27), dbSNP rs786201802, ClinGen allele CA190522.